The following is an entry in ClinVar:

ClinVar aggregate classification (germline): Pathogenic. Review status: criteria provided, multiple submitters, no conflicts (2 of 4 stars). 4 submissions from 4 submitters: Pathogenic (4). Last evaluated 2025-11-10.

Conditions:
Polycystic kidney disease, adult type (PKD1). Also called: Polycystic Kidney Disease 1, Autosomal Dominant; Polycystic kidney disease 1; Polycystic kidney disease 1, severe; POLYCYSTIC KIDNEY DISEASE 1 WITH OR WITHOUT POLYCYSTIC LIVER DISEASE; POLYCYSTIC KIDNEY DISEASE, ADULT, TYPE I; Polycystic Kidney, Autosomal Dominant. Identifiers: MedGen C3149841, MONDO:0008263, OMIM 173900.
PKD1-related disorder. Also called: PKD1-related condition.

Submissions (4):

PreventionGenetics, part of Exact Sciences
Classification: Pathogenic for PKD1-related condition. Last evaluated: 2025-11-10. Review status: criteria provided, single submitter. Criteria: ACMG Guidelines, 2015. Collection method: clinical testing. Allele origin: germline.
Comment: The PKD1 c.706C>T variant is predicted to result in premature protein termination (p.Gln236*). This variant has been reported in individuals with autosomal dominant polycystic kidney disease (ADPKD) (see for example, Table S4, Audrézet et al. 2012. PubMed ID: 22508176; Table S6, Kim et al. 2019. PubMed ID: 31740684; Supplemental Table 1, Xu et al. 2024. PubMed ID: 38527221). This variant has not been reported in a large population database (gnomAD), indicating this variant is rare. Nonsense variants in PKD1 are expected to be pathogenic. This variant is interpreted as pathogenic.

GeneDx
Classification: Pathogenic. Last evaluated: 2024-05-23. Review status: criteria provided, single submitter. Criteria: GeneDx Variant Classification Process June 2021. Collection method: clinical testing. Allele origin: germline. Affected: yes.
Comment: Nonsense variant predicted to result in protein truncation or nonsense mediated decay in a gene for which loss of function is a known mechanism of disease; Not observed at significant frequency in large population cohorts (gnomAD); This variant is associated with the following publications: (PMID: 24374109, 31740684, 22508176)

Victorian Clinical Genetics Services, Murdoch Childrens Research Institute
Classification: Pathogenic for Polycystic kidney disease, adult type. Last evaluated: 2023-07-17. Review status: criteria provided, single submitter. Criteria: ACMG Guidelines, 2015. Collection method: clinical testing. Allele origin: germline. Inheritance: Autosomal dominant inheritance. Affected: yes.
Comment: Based on the classification scheme VCGS_Germline_v1.3.4, this variant is classified as Pathogenic. Following criteria are met: 0102 - Loss of function is a known mechanism of disease in this gene and is associated with polycystic kidney disease 1 (MIM#173900). (I) 0107 - This gene is associated with autosomal dominant disease. Polycystic kidney disease 1 (MIM#173900) is predominantly caused by monoallelic variants, with rare reports of biallelic variants causing disease (OMIM). (I) 0201 - Variant is predicted to cause nonsense-mediated decay (NMD) and loss of protein (premature termination codon is located at least 54 nucleotides upstream of the final exon-exon junction). (SP) 0251 - This variant is heterozygous. (I) 0301 - Variant is absent from gnomAD (both v2 and v3). (SP) 0701 - Other NMD predicted variants comparable to the one identified in this case have very strong previous evidence for pathogenicity (DECIPHER). (SP) 0802 - This variant has moderate previous evidence of pathogenicity in unrelated individuals. This variant has been observed in at least three individuals with ADPKD (PMIDs: 31740684, 24374109, 22508176). (SP) 1208 - Inheritance information for this variant is not currently available in this individual. (I) Legend: (SP) - Supporting pathogenic, (I) - Information, (SB) - Supporting benign

Blueprint Genetics
Classification: Pathogenic for PKD1-related disorders. Last evaluated: 2021-02-01. Review status: criteria provided, single submitter. Criteria: ACMG Guidelines, 2015. Collection method: clinical testing. Allele origin: germline. Affected: yes. Observed: 1 variant allele.

Literature cited by the submitters: PubMed 22508176 (cited by Victorian Clinical Genetics Services, Murdoch Childrens Research Institute); PubMed 24374109 (cited by Victorian Clinical Genetics Services, Murdoch Childrens Research Institute); PubMed 31740684 (cited by Victorian Clinical Genetics Services, Murdoch Childrens Research Institute).

NM_001009944.3(PKD1):c.706C>T (p.Gln236Ter)

Gene: PKD1 (polycystin 1, transient receptor potential channel interacting; minus strand). Cytogenetic location: 16p13.3.
Variant type: single nucleotide variant.
Coding change: c.706C>T on transcript NM_001009944.3 (MANE Select); coding-DNA position 706, C replaced by T.
Protein change: p.Gln236Ter; replaces glutamine 236 with a stop codon.
Molecular consequence: nonsense.
Genome position (GRCh38, 1-based): chr16:2,118,286, G>A on the plus strand (C>T on the coding strand, the complement: PKD1 is on the minus strand). VCF-style: chr16-2118286-G-A. GRCh37 (hg19) VCF-style: chr16-2168287-G-A.
Other names: c.706C>T, p.Gln236Ter (NM_000296.4); short protein forms Q236*.
Identifiers: ClinVar variation 3254609 (VCV003254609.4), dbSNP rs2544880232.